The following is an entry in ClinVar:

ClinVar aggregate classification (germline): Pathogenic (1 of 4 stars; one submission).

Conditions:
Muscular dystrophy-dystroglycanopathy (congenital with brain and eye anomalies), type A2. Also called: MUSCULAR DYSTROPHY-DYSTROGLYCANOPATHY (CONGENITAL WITH BRAIN AND EYE ANOMALIES), TYPE A, 2; WALKER-WARBURG SYNDROME OR MUSCLE-EYE-BRAIN DISEASE, POMT2-RELATED. Identifiers: Orphanet 588, Orphanet 899, MedGen C3150411, MONDO:0013154, OMIM 613150.
Muscular dystrophy-dystroglycanopathy (congenital with impaired intellectual development), type B, 2. Also called: Muscular dystrophy-dystroglycanopathy (congenital with intellectual disability), type B2; MUSCULAR DYSTROPHY, CONGENITAL, POMT2-RELATED. Identifiers: MedGen C3150416, MONDO:0013160, OMIM 613156.
Autosomal recessive limb-girdle muscular dystrophy type 2N. Also called: Muscular dystrophy-dystroglycanopathy (limb-girdle), type C, 2; MUSCULAR DYSTROPHY-DYSTROGLYCANOPATHY, LIMB-GIRDLE, POMT2-RELATED. Identifiers: Orphanet 206559, MedGen C3150418, MONDO:0013162, OMIM 613158.

Submission:

Labcorp Genetics (formerly Invitae), Labcorp
Classification: Pathogenic for Muscular dystrophy-dystroglycanopathy (congenital with impaired intellectual development), type B, 2; Muscular dystrophy-dystroglycanopathy (congenital with brain and eye anomalies), type A2; Autosomal recessive limb-girdle muscular dystrophy type 2N. Last evaluated: 2019-09-21. Review status: criteria provided, single submitter. Criteria: Invitae Variant Classification Sherloc (09022015). Collection method: clinical testing. Allele origin: germline.
Comment: This variant is not present in population databases (ExAC no frequency). This sequence change creates a premature translational stop signal (p.Leu264Argfs*10) in the POMT2 gene. It is expected to result in an absent or disrupted protein product. This variant has not been reported in the literature in individuals with POMT2-related conditions. For these reasons, this variant has been classified as Pathogenic. Loss-of-function variants in POMT2 are known to be pathogenic (PMID: 15894594).

Literature cited by the submitters: PubMed 15894594.

NM_013382.7(POMT2):c.791del (p.Leu264fs)

Gene: POMT2 (protein O-mannosyltransferase 2; minus strand). Cytogenetic location: 14q24.3.
Variant type: Deletion.
Coding change: c.791del on transcript NM_013382.7 (MANE Select); coding-DNA position 791, one base deleted (T; older notation c.791delT).
Protein change: p.Leu264fs; shifts the reading frame from leucine 264.
Molecular consequence: frameshift variant.
Genome position (GRCh38, 1-based): chr14:77,301,115, A deleted on the plus strand (T on the coding strand, the reverse complement: POMT2 is on the minus strand). VCF-style (leftmost placement, unchanged base first): chr14-77301114-CA-C. GRCh37 (hg19) VCF-style: chr14-77767457-CA-C.
Other names: short protein forms L264fs.
Identifiers: ClinVar variation 938509 (VCV000938509.8), dbSNP rs1891020302, ClinGen allele CA1139663576.